The following is an entry in ClinVar:

ClinVar aggregate classification (germline): Likely pathogenic. Review status: criteria provided, multiple submitters, no conflicts (2 of 4 stars). 3 submissions from 3 submitters: Likely pathogenic (2). 1 of the submissions does not count toward it. Last evaluated 2025-03-05.

Conditions:
Polycystic kidney disease 4 (PKD4). Also called: POLYCYSTIC KIDNEY DISEASE 4 WITH OR WITHOUT POLYCYSTIC LIVER DISEASE; POLYCYSTIC KIDNEY AND HEPATIC DISEASE 1; POLYCYSTIC KIDNEY DISEASE, INFANTILE, TYPE I; PKD3; Autosomal Recessive Polycystic Kidney Disease – PKHD1. Identifiers: MedGen C4540575, MONDO:0033004, OMIM 263200.
Autosomal recessive polycystic kidney disease (ARPKD). Also called: AR polycystic kidney disease. Identifiers: Orphanet 731, Orphanet 8378, MedGen C0085548, MeSH D017044, MONDO:0009889.

Submissions (3):

Natera, Inc.
Classification: Likely pathogenic for Autosomal recessive polycystic kidney disease. Last evaluated: 2025-03-05. Review status: criteria provided, single submitter. Criteria: Natera Variant Classification Schema (03/2026). Collection method: clinical testing. Allele origin: germline.
Comment: The c.6866-16_6866delTTTGTTGAAACATTAGA variant in PKHD1 is a deletion affecting a canonical acceptor splice site. This variant is expected to result in nonsense mediated decay, truncation, or a dysfunctional protein product. This variant is rare in the general population with a frequency below the threshold expected for the associated phenotype(s). Given the available evidence, this variant is classified as Likely Pathogenic.

Labcorp Genetics (formerly Invitae), Labcorp
Classification: Likely pathogenic for Autosomal recessive polycystic kidney disease. Last evaluated: 2021-08-28. Review status: criteria provided, single submitter. Criteria: Invitae Variant Classification Sherloc (09022015). Collection method: clinical testing. Allele origin: germline.
Comment: This sequence change affects a splice site in intron 42 of the PKHD1 gene. It is expected to disrupt RNA splicing. Variants that disrupt the donor or acceptor splice site typically lead to a loss of protein function (PMID: 16199547), and loss-of-function variants in PKHD1 are known to be pathogenic (PMID: 19940839). This variant is not present in population databases (ExAC no frequency). This variant has not been reported in the literature in individuals affected with PKHD1-related conditions. ClinVar contains an entry for this variant (Variation ID: 554527). Algorithms developed to predict the effect of sequence changes on RNA splicing suggest that this variant may disrupt the consensus splice site. In summary, the currently available evidence indicates that the variant is pathogenic, but additional data are needed to prove that conclusively. Therefore, this variant has been classified as Likely Pathogenic.

Counsyl
Classification: Likely pathogenic for Polycystic kidney disease 4. Last evaluated: 2017-10-24. Review status: no assertion criteria provided. Collection method: clinical testing. Allele origin: unknown. Not counted in ClinVar's aggregate classification.

Literature cited by the submitters: PubMed 16199547 (cited by Labcorp Genetics (formerly Invitae), Labcorp); PubMed 19940839 (cited by Labcorp Genetics (formerly Invitae), Labcorp).

NM_138694.4(PKHD1):c.6866-16_6866del

Gene: PKHD1 (PKHD1 ciliary IPT domain containing fibrocystin/polyductin; minus strand). Cytogenetic location: 6p12.2.
Variant type: Deletion.
Coding change: c.6866-16_6866del on transcript NM_138694.4 (MANE Select); 16 bases into the intron before coding-DNA position 6866 through coding-DNA position 6866, 17 bases deleted (TTTGTTGAAACATTAGA).
Molecular consequence: splice acceptor variant.
Genome position (GRCh38, 1-based): chr6:51,903,727-51,903,743, TCTAATGTTTCAACAAA deleted on the plus strand (TTTGTTGAAACATTAGA on the coding strand, the reverse complement: PKHD1 is on the minus strand); deleting any 17 consecutive bases within chr6:51,903,727-51,903,745 gives the same sequence; the c. name uses the placement nearest the transcript's 3' end. VCF-style (leftmost placement, unchanged base first): chr6-51903726-GTCTAATGTTTCAACAAA-G. GRCh37 (hg19) VCF-style: chr6-51768524-GTCTAATGTTTCAACAAA-G.
Other names: c.6866-16_6866del17 (NM_138694.3); c.6866-16_6866del (NM_170724.3); c.6866-16_6866delTTTGTTGAAACATTAGA (NM_138694.3).
Identifiers: ClinVar variation 554527 (VCV000554527.8), dbSNP rs1554299291, ClinGen allele CA658822582.